The following is an entry in ClinVar:

ClinVar aggregate classification (germline): Uncertain significance (1 of 4 stars; one submission).

Conditions:
Norman-Roberts syndrome (LIS2). Also called: Lissencephaly 2 (Norman-Roberts type). Identifiers: Orphanet 89844, MedGen C0796089, MONDO:0009760, OMIM 257320.
Familial temporal lobe epilepsy 7. Identifiers: Orphanet 101046, MedGen C4225327, MONDO:0014639, OMIM 616436.

Allele frequency attached by ClinVar (database versions not stated): TOPMed below 0.00001.

Submission:

Labcorp Genetics (formerly Invitae), Labcorp
Classification: Uncertain significance for Familial temporal lobe epilepsy 7; Norman-Roberts syndrome. Last evaluated: 2023-04-06. Review status: criteria provided, single submitter. Criteria: Invitae Variant Classification Sherloc (09022015). Collection method: clinical testing. Allele origin: germline.
Comment: This variant is not present in population databases (gnomAD no frequency). In summary, the available evidence is currently insufficient to determine the role of this variant in disease. Therefore, it has been classified as a Variant of Uncertain Significance. Advanced modeling of protein sequence and biophysical properties (such as structural, functional, and spatial information, amino acid conservation, physicochemical variation, residue mobility, and thermodynamic stability) performed at Invitae indicates that this missense variant is not expected to disrupt RELN protein function. This variant has not been reported in the literature in individuals affected with RELN-related conditions. This sequence change replaces isoleucine, which is neutral and non-polar, with threonine, which is neutral and polar, at codon 2492 of the RELN protein (p.Ile2492Thr).

NM_005045.4(RELN):c.7475T>C (p.Ile2492Thr)

Gene: RELN (reelin; minus strand). Cytogenetic location: 7q22.1.
Variant type: single nucleotide variant.
Coding change: c.7475T>C on transcript NM_005045.4 (MANE Select); coding-DNA position 7475, T replaced by C.
Protein change: p.Ile2492Thr; replaces isoleucine 2492 with threonine.
Molecular consequence: missense variant.
Genome position (GRCh38, 1-based): chr7:103,523,406, A>G on the plus strand (T>C on the coding strand, the complement: RELN is on the minus strand). VCF-style: chr7-103523406-A-G. GRCh37 (hg19) VCF-style: chr7-103163853-A-G.
Other names: c.7475T>C, p.Ile2492Thr (NM_173054.3); short protein forms I2492T.
Identifiers: ClinVar variation 2946242 (VCV002946242.3), dbSNP rs1829753423, ClinGen allele CA368767696.
Genomic context (GRCh38, chr7:103,523,406, plus strand): 5'-GTGAATCAGGAGCTTTCAACAGAAGGAAGAAAAAAACCGACTTACACGCAGTTTCCCTGG[A>G]TGCATCTCCCATGGCCACTGCACATGTCTATGCAGCCATCCCCGATATAGACATTATCTA-3'
Protein context (NP_005036.2, residues 2482-2502): IDMCSGHGRC[Ile2492Thr]QGNCVCDEQW